The following is an entry in ClinVar:

NM_000789.4(ACE):c.2332C>T (p.Arg778Trp)

Gene: ACE (angiotensin I converting enzyme; plus strand). Cytogenetic location: 17q23.3.
Variant type: single nucleotide variant.
Coding change: c.2332C>T on transcript NM_000789.4 (MANE Select); coding-DNA position 2332, C replaced by T.
Protein change: p.Arg778Trp; replaces arginine 778 with tryptophan.
Molecular consequence: missense variant. On other transcripts: non-coding transcript variant (1).
Genome position (GRCh38, 1-based): chr17:63,488,674, C>T. VCF-style: chr17-63488674-C-T. GRCh37 (hg19) VCF-style: chr17-61566035-C-T.
Other names: c.610C>T, p.Arg204Trp (NM_001178057.2, NM_152830.3); c.1765C>T, p.Arg589Trp (NM_001382700.1); c.1480C>T, p.Arg494Trp (NM_001382701.1); c.262C>T, p.Arg88Trp (NM_001382702.1); c.2332C>T (NM_000789.3); short protein forms R88W, R204W, R494W, R589W, R778W.
Identifiers: ClinVar variation 2067784 (VCV002067784.4), dbSNP rs745724462, ClinGen allele CA8700064.

ClinVar aggregate classification (germline): Uncertain significance/VUS-low. Review status: criteria provided, multiple submitters, no conflicts (2 of 4 stars). 3 submissions from 3 submitters: Uncertain significance (2); VUS-low (1). Last evaluated 2025-08-18.

Conditions:
Renal tubular dysgenesis of genetic origin. Also called: PRIMITIVE RENAL TUBULE SYNDROME. Identifiers: Orphanet 97369, MedGen C5681536, MONDO:0009970, OMIM 267430.
Inborn genetic diseases. Identifiers: MedGen C0950123, MeSH D030342.

Allele frequency attached by ClinVar (database versions not stated): gnomAD 0.00003; ExAC 0.00013; TOPMed 0.00003.
gnomAD v4.1: 62 of 1,613,182 alleles (0.0038%); highest among the groups gnomAD compares: Admixed American, 0.08%; no homozygotes.

Submissions (3):

First Genomix Gene Laboratory, Genetic Diagnostics Department
Classification: VUS-low for Renal tubular dysgenesis of genetic origin. Last evaluated: 2025-08-18. Review status: criteria provided, single submitter. Criteria: ACMG Guidelines, 2015. Collection method: clinical testing. Allele origin: germline. Inheritance: Autosomal recessive inheritance. Affected: yes. Observed: 1 variant allele.

Ambry Genetics
Classification: Uncertain significance for Inborn genetic diseases. Last evaluated: 2023-11-18. Review status: criteria provided, single submitter. Criteria: Ambry Variant Classification Scheme 2023. Collection method: clinical testing. Allele origin: germline.

Labcorp Genetics (formerly Invitae), Labcorp
Classification: Uncertain significance. Last evaluated: 2023-10-03. Review status: criteria provided, single submitter. Criteria: Invitae Variant Classification Sherloc (09022015). Collection method: clinical testing. Allele origin: germline.
Comment: This sequence change replaces arginine, which is basic and polar, with tryptophan, which is neutral and slightly polar, at codon 778 of the ACE protein (p.Arg778Trp). This variant is present in population databases (rs745724462, gnomAD 0.1%). This variant has not been reported in the literature in individuals affected with ACE-related conditions. ClinVar contains an entry for this variant (Variation ID: 2067784). Advanced modeling of protein sequence and biophysical properties (such as structural, functional, and spatial information, amino acid conservation, physicochemical variation, residue mobility, and thermodynamic stability) performed at Invitae indicates that this missense variant is not expected to disrupt ACE protein function. In summary, the available evidence is currently insufficient to determine the role of this variant in disease. Therefore, it has been classified as a Variant of Uncertain Significance.